The following is an entry in ClinVar:

NM_001111.5(ADAR):c.1319G>T (p.Gly440Val)

Gene: ADAR (adenosine deaminase RNA specific; minus strand). Cytogenetic location: 1q21.3.
Variant type: single nucleotide variant.
Coding change: c.1319G>T on transcript NM_001111.5 (MANE Select); coding-DNA position 1319, G replaced by T.
Protein change: p.Gly440Val; replaces glycine 440 with valine.
Molecular consequence: missense variant.
Genome position (GRCh38, 1-based): chr1:154,601,323, C>A on the plus strand (G>T on the coding strand, the complement: ADAR is on the minus strand). VCF-style: chr1-154601323-C-A. GRCh37 (hg19) VCF-style: chr1-154573799-C-A.
Other names: c.434G>T, p.Gly145Val (NM_001025107.3, NM_001193495.2, NM_001365046.1 and 3 more transcripts); c.1346G>T, p.Gly449Val (NM_001365045.1); c.1319G>T, p.Gly440Val (NM_015840.4, NM_015841.4); short protein forms G145V, G440V, G449V.
Identifiers: ClinVar variation 1721964 (VCV001721964.5), dbSNP rs1274234563, ClinGen allele CA342596869.

ClinVar aggregate classification (germline): Uncertain significance (1 of 4 stars; one submission).

Conditions:
Symmetrical dyschromatosis of extremities (DSH). Also called: DYSCHROMATOSIS SYMMETRICA HEREDITARIA 1; Dyschromatosis symmetrica hereditaria; RETICULATE ACROPIGMENTATION OF DOHI; SYMMETRIC DYSCHROMATOSIS OF THE EXTREMITIES. Identifiers: Orphanet 41, MedGen C0406775, MONDO:0007483, OMIM 127400.
Aicardi-Goutieres syndrome 6 (AGS6). Identifiers: Orphanet 51, MedGen C3539013, MONDO:0014007, OMIM 615010.

gnomAD v4.1: 6 of 1,614,240 alleles (0.00037%); highest among the groups gnomAD compares: Non-Finnish European, 0.00051%; no homozygotes.

Submission:

Labcorp Genetics (formerly Invitae), Labcorp
Classification: Uncertain significance for Aicardi-Goutieres syndrome 6; Symmetrical dyschromatosis of extremities. Last evaluated: 2023-11-22. Review status: criteria provided, single submitter. Criteria: Invitae Variant Classification Sherloc (09022015). Collection method: clinical testing. Allele origin: germline.
Comment: This sequence change replaces glycine, which is neutral and non-polar, with valine, which is neutral and non-polar, at codon 440 of the ADAR protein (p.Gly440Val). This variant is present in population databases (no rsID available, gnomAD 0.007%). This variant has not been reported in the literature in individuals affected with ADAR-related conditions. ClinVar contains an entry for this variant (Variation ID: 1721964). Advanced modeling of protein sequence and biophysical properties (such as structural, functional, and spatial information, amino acid conservation, physicochemical variation, residue mobility, and thermodynamic stability) performed at Invitae indicates that this missense variant is not expected to disrupt ADAR protein function with a negative predictive value of 80%. In summary, the available evidence is currently insufficient to determine the role of this variant in disease. Therefore, it has been classified as a Variant of Uncertain Significance.